The following is an entry in ClinVar:

NM_006767.4(LZTR1):c.2182T>A (p.Tyr728Asn)

Gene: LZTR1 (leucine zipper like post translational regulator 1; plus strand). Cytogenetic location: 22q11.21.
Variant type: single nucleotide variant.
Coding change: c.2182T>A on transcript NM_006767.4 (MANE Select); coding-DNA position 2182, T replaced by A.
Protein change: p.Tyr728Asn; replaces tyrosine 728 with asparagine.
Molecular consequence: missense variant.
Genome position (GRCh38, 1-based): chr22:20,996,075, T>A. VCF-style: chr22-20996075-T-A. GRCh37 (hg19) VCF-style: chr22-21350364-T-A.
Other names: short protein forms Y728N.
Identifiers: ClinVar variation 1787287 (VCV001787287.2), dbSNP rs1376063242, ClinGen allele CA410779974.

ClinVar aggregate classification (germline): Uncertain significance (1 of 4 stars; one submission).

Conditions:
Hereditary cancer-predisposing syndrome. Also called: Neoplastic Syndromes, Hereditary; Tumor predisposition; Hereditary Cancer Syndrome; Hereditary neoplastic syndrome. Identifiers: Orphanet 140162, MedGen C0027672, MeSH D009386, MONDO:0015356.
Cardiovascular phenotype. Identifiers: MedGen CN230736.

Submission:

Ambry Genetics
Classification: Uncertain significance for Cardiovascular phenotype; Hereditary cancer-predisposing syndrome. Last evaluated: 2022-04-03. Review status: criteria provided, single submitter. Criteria: Ambry Variant Classification Scheme 2023. Collection method: clinical testing. Allele origin: germline.
Comment: The p.Y728N variant (also known as c.2182T>A), located in coding exon 18 of the LZTR1 gene, results from a T to A substitution at nucleotide position 2182. The tyrosine at codon 728 is replaced by asparagine, an amino acid with dissimilar properties. This amino acid position is conserved. In addition, this alteration is predicted to be deleterious by in silico analysis. Since supporting evidence is limited at this time, the clinical significance of this alteration remains unclear.